The following is an entry in ClinVar:

ClinVar aggregate classification (germline): Uncertain significance (1 of 4 stars; one submission).

gnomAD v4.1: 2 of 1,613,814 alleles (0.00012%); highest among the groups gnomAD compares: Non-Finnish European, 0.000085%; no homozygotes.

Submission:

Labcorp Genetics (formerly Invitae), Labcorp
Classification: Uncertain significance. Last evaluated: 2022-09-19. Review status: criteria provided, single submitter. Criteria: Invitae Variant Classification Sherloc (09022015). Collection method: clinical testing. Allele origin: germline.
Comment: Advanced modeling of protein sequence and biophysical properties (such as structural, functional, and spatial information, amino acid conservation, physicochemical variation, residue mobility, and thermodynamic stability) performed at Invitae indicates that this missense variant is not expected to disrupt MYO6 protein function. ClinVar contains an entry for this variant (Variation ID: 1465568). This variant has not been reported in the literature in individuals affected with MYO6-related conditions. This variant is not present in population databases (gnomAD no frequency). This sequence change replaces asparagine, which is neutral and polar, with aspartic acid, which is acidic and polar, at codon 854 of the MYO6 protein (p.Asn854Asp). In summary, the available evidence is currently insufficient to determine the role of this variant in disease. Therefore, it has been classified as a Variant of Uncertain Significance.

NM_004999.4(MYO6):c.2560A>G (p.Asn854Asp)

Gene: MYO6 (myosin VI; plus strand). Cytogenetic location: 6q14.1.
Variant type: single nucleotide variant.
Coding change: c.2560A>G on transcript NM_004999.4 (MANE Select); coding-DNA position 2560, A replaced by G.
Protein change: p.Asn854Asp; replaces asparagine 854 with aspartic acid.
Molecular consequence: missense variant. On other transcripts: non-coding transcript variant (1).
Genome position (GRCh38, 1-based): chr6:75,886,896, A>G. VCF-style: chr6-75886896-A-G. GRCh37 (hg19) VCF-style: chr6-76596613-A-G.
Other names: c.2560A>G, p.Asn854Asp (NM_001300899.2, NM_001368136.1, NM_001368137.1 and 2 more transcripts); c.2545A>G, p.Asn849Asp (NM_001368138.1); short protein forms N854D, N849D.
Identifiers: ClinVar variation 1465568 (VCV001465568.8), dbSNP rs2149358961, ClinGen allele CA364775333.
Genomic context (GRCh38, chr6:75,886,896, plus strand): 5'-TTTTACAGCATTGATGGTCTGGTTAAGGTGGGCACACTGAAAAAACGACTTGATAAATTT[A>G]ATGAGGTAGTCAGTGTGTTGAAAGATGGAAAACCCGAGATGAATAAACAGATCAAGAATC-3'
Protein context (NP_004990.3, residues 844-864): GTLKKRLDKF[Asn854Asp]EVVSVLKDGK